The following is an entry in ClinVar:

NM_000057.4(BLM):c.1109A>C (p.Gln370Pro)

Gene: BLM (BLM RecQ like helicase; plus strand). Cytogenetic location: 15q26.1.
Variant type: single nucleotide variant.
Coding change: c.1109A>C on transcript NM_000057.4 (MANE Select); coding-DNA position 1109, A replaced by C.
Protein change: p.Gln370Pro; replaces glutamine 370 with proline.
Molecular consequence: missense variant. On other transcripts: 5 prime UTR variant (1).
Genome position (GRCh38, 1-based): chr15:90,760,168, A>C. VCF-style: chr15-90760168-A-C. GRCh37 (hg19) VCF-style: chr15-91303398-A-C.
Other names: c.1109A>C, p.Gln370Pro (NM_001287246.2, NM_001287247.2); c.-17A>C (NM_001287248.2); short protein forms Q370P.
Identifiers: ClinVar variation 1008368 (VCV001008368.10), dbSNP rs773198283, ClinGen allele CA7738465.

ClinVar aggregate classification (germline): Uncertain significance (1 of 4 stars; one submission).

Conditions:
Bloom syndrome (BLM). Also called: Bloom-Torre-Machacek syndrome. Identifiers: Orphanet 125, MedGen C0005859, MONDO:0008876, OMIM 210900.

Allele frequency attached by ClinVar (database versions not stated): gnomAD exomes below 0.00001; ExAC 0.00001.
gnomAD v4.1: 2 of 1,611,420 alleles (0.00012%); highest among the groups gnomAD compares: Non-Finnish European, 0.00017%; no homozygotes.

Submission:

Labcorp Genetics (formerly Invitae), Labcorp
Classification: Uncertain significance for Bloom syndrome. Last evaluated: 2020-01-30. Review status: criteria provided, single submitter. Criteria: Invitae Variant Classification Sherloc (09022015). Collection method: clinical testing. Allele origin: germline.
Comment: In summary, the available evidence is currently insufficient to determine the role of this variant in disease. Therefore, it has been classified as a Variant of Uncertain Significance. Algorithms developed to predict the effect of missense changes on protein structure and function (SIFT, PolyPhen-2, Align-GVGD) all suggest that this variant is likely to be tolerated, but these predictions have not been confirmed by published functional studies and their clinical significance is uncertain. This variant has not been reported in the literature in individuals with BLM-related conditions. This variant is present in population databases (rs773198283, ExAC 0.002%). This sequence change replaces glutamine with proline at codon 370 of the BLM protein (p.Gln370Pro). The glutamine residue is weakly conserved and there is a moderate physicochemical difference between glutamine and proline.